The following is an entry in ClinVar:

NM_000180.4(GUCY2D):c.914del (p.His305fs)

Gene: GUCY2D (guanylate cyclase 2D, retinal; plus strand). Cytogenetic location: 17p13.1.
Variant type: Deletion.
Coding change: c.914del on transcript NM_000180.4 (MANE Select); coding-DNA position 914, one base deleted (A; older notation c.914delA).
Protein change: p.His305fs; shifts the reading frame from histidine 305.
Molecular consequence: frameshift variant.
Genome position (GRCh38, 1-based): chr17:8,004,044, A deleted. VCF-style (leftmost placement, unchanged base first): chr17-8004043-CA-C. GRCh37 (hg19) VCF-style: chr17-7907361-CA-C.
Other names: short protein forms H305fs.
Identifiers: ClinVar variation 642720 (VCV000642720.14), dbSNP rs1598144694, ClinGen allele CA645369138.
Genomic context (GRCh38, chr17:8,004,043, plus strand): 5'-TTGTCCCCAGGCCCGGAGGCCTTGGCCGCACTCGCCAACAGCTCCCAGCTTCGCAGGGCC[CA>C]CGATGCCGTGCTCACCCTCACGCGCCACTGTCCCTCTGAAGGCAGCGTGCTGGACAGCCT-3'

ClinVar aggregate classification (germline): Pathogenic/Likely pathogenic. Review status: criteria provided, multiple submitters, no conflicts (2 of 4 stars). 4 submissions from 4 submitters: Pathogenic (3); Likely pathogenic (1). Last evaluated 2024-03-25.

Conditions:
Leber congenital amaurosis 1 (LCA1). Also called: Congenital absence of the rods and cones; Leber's congenital tapetoretinal degeneration; Leber's congenital tapetoretinal dysplasia; AMAUROSIS CONGENITA OF LEBER I; RETINAL BLINDNESS, CONGENITAL. Identifiers: Orphanet 65, MedGen C2931258, MONDO:0008764, OMIM 204000.
Cone-rod dystrophy 6 (CORD6). Also called: Cone dystrophy progressive; RETINAL CONE DYSTROPHY 2. Identifiers: Orphanet 1872, MedGen C1866293, MONDO:0011143, OMIM 601777.
GUCY2D-related disorders.

Submissions (4):

Genomic Medicine Center of Excellence, King Faisal Specialist Hospital and Research Centre
Classification: Likely pathogenic for Leber congenital amaurosis 1. Last evaluated: 2024-03-25. Review status: criteria provided, single submitter. Criteria: ACMG Guidelines, 2015. Collection method: clinical testing. Allele origin: germline.

Blueprint Genetics
Classification: Pathogenic for GUCY2D-related disorders. Last evaluated: 2023-06-19. Review status: criteria provided, single submitter. Criteria: ACMG Guidelines, 2015. Collection method: clinical testing. Allele origin: germline. Affected: yes. Observed: 4 variant alleles.

Revvity Omics, Revvity
Classification: Pathogenic. Last evaluated: 2023-05-09. Review status: criteria provided, single submitter. Criteria: ACMG Guidelines, 2015. Collection method: clinical testing. Allele origin: germline.

Labcorp Genetics (formerly Invitae), Labcorp
Classification: Pathogenic for Leber congenital amaurosis 1; Cone-rod dystrophy 6. Last evaluated: 2020-12-31. Review status: criteria provided, single submitter. Criteria: Invitae Variant Classification Sherloc (09022015). Collection method: clinical testing. Allele origin: germline.
Comment: This sequence change creates a premature translational stop signal (p.His305Profs*90) in the GUCY2D gene. It is expected to result in an absent or disrupted protein product. This variant is not present in population databases (ExAC no frequency). This variant has been observed in a family affected with Leber congenital amaurosis (PMID: 26355662). Loss-of-function variants in GUCY2D are known to be pathogenic (PMID: 10951519, 11328726). For these reasons, this variant has been classified as Pathogenic.

Literature cited by the submitters: PubMed 26355662 (cited by Labcorp Genetics (formerly Invitae), Labcorp); PubMed 10951519 (cited by Labcorp Genetics (formerly Invitae), Labcorp); PubMed 11328726 (cited by Labcorp Genetics (formerly Invitae), Labcorp).